The following is an entry in ClinVar:

ClinVar aggregate classification (germline): Pathogenic (1 of 4 stars; one submission).

Conditions:
Wilms tumor 1 (WT1). Also called: Wilms tumor, somatic. Identifiers: Orphanet 654, MedGen CN033288, MONDO:0008679, OMIM 194070.

Submission:

Labcorp Genetics (formerly Invitae), Labcorp
Classification: Pathogenic for Wilms tumor 1. Last evaluated: 2016-07-22. Review status: criteria provided, single submitter. Criteria: Invitae Variant Classification Sherloc (09022015). Collection method: clinical testing. Allele origin: germline.
Comment: This variant is a gross deletion of the genomic region encompassing exons 3-6 of the GPC3 gene. This creates a premature translational stop signal and is expected to result in an absent or disrupted protein product. While this particular variant has not been reported in the literature, loss-of-function variants in GPC3 are known to be pathogenic (PMID: 10814714, 17603795). For these reasons, this variant has been classified as Pathogenic.

NC_000023.10:g.(?_132795758)_(132888203_?)del

Gene: GPC3 (glypican 3; minus strand). Cytogenetic location: Xq26.2.
Variant type: Deletion.
Identifiers: ClinVar variation 417449 (VCV000417449.1).